The following is an entry in ClinVar:

NM_021167.5(GATAD1):c.48G>A (p.Ser16=)

Genes: GATAD1 (GATA zinc finger domain containing 1; plus strand), LOC129998793 (ATAC-STARR-seq lymphoblastoid silent region 18371; plus strand). Cytogenetic location: 7q21.2.
Variant type: single nucleotide variant.
Coding change: c.48G>A on transcript NM_021167.5 (MANE Select); coding-DNA position 48, G replaced by A.
Protein change: p.Ser16=; no amino-acid change (serine 16 retained).
Molecular consequence: synonymous variant. On other transcripts: non-coding transcript variant (1).
Genome position (GRCh38, 1-based): chr7:92,447,777, G>A. VCF-style: chr7-92447777-G-A. GRCh37 (hg19) VCF-style: chr7-92077091-G-A.
Other names: p.S16S:TCG>TCA.
Identifiers: ClinVar variation 137447 (VCV000137447.22), dbSNP rs376686657, ClinGen allele CA176126.
Genomic context (GRCh38, chr7:92,447,777, plus strand): 5'-CGAGCCGGCCACCATGCCGCTGGGCCTGAAGCCCACCTGCAGCGTATGCAAGACCACGTC[G>A]TCCTCCATGTGGAAGAAGGGAGCGCAGGGGGAGATCCTCTGCCATCATTGCACTGGCCGG-3'
Protein context (NP_066990.3, residues 6-26): KPTCSVCKTT[Ser16=]SSMWKKGAQG

ClinVar aggregate classification (germline): Benign/Likely benign. Review status: criteria provided, multiple submitters, no conflicts (2 of 4 stars). 7 submissions from 7 submitters: Benign (1); Likely benign (4). 2 of the submissions do not count toward it. Last evaluated 2026-02-03.

Conditions:
Cardiovascular phenotype. Identifiers: MedGen CN230736.
Dilated cardiomyopathy 2B. Identifiers: Orphanet 154, MedGen C3553409, MONDO:0013848, OMIM 614672.

Allele frequency attached by ClinVar (database versions not stated): gnomAD exomes 0.00006 and 0.00013; ExAC 0.00008; 1000 Genomes Project 30x 0.00016; gnomAD 0.00021; TOPMed 0.00033; 1000 Genomes Project 0.00040.
gnomAD v4.1: 353 of 1,498,470 alleles (0.024%); highest among the groups gnomAD compares: East Asian, 0.24%; 22 homozygotes.

Submissions (7):

Labcorp Genetics (formerly Invitae), Labcorp
Classification: Likely benign for Dilated cardiomyopathy 2B. Last evaluated: 2026-02-03. Review status: criteria provided, single submitter. Criteria: Invitae Variant Classification Sherloc (09022015). Collection method: clinical testing. Allele origin: germline.

Blueprint Genetics
Classification: Likely benign. Last evaluated: 2024-10-28. Review status: criteria provided, single submitter. Criteria: ACMG Guidelines, 2015. Collection method: clinical testing. Allele origin: germline.

Ambry Genetics
Classification: Likely benign for Cardiovascular phenotype. Last evaluated: 2015-09-04. Review status: criteria provided, single submitter. Criteria: Ambry Variant Classification Scheme 2023. Collection method: clinical testing. Allele origin: germline.

Laboratory for Molecular Medicine, Mass General Brigham Personalized Medicine
Classification: Likely benign. Last evaluated: 2015-03-21. Review status: criteria provided, single submitter. Criteria: LMM Criteria. Collection method: clinical testing. Allele origin: germline. Observed: 5 variant alleles.
Comment: p.Ser16Ser in exon 1 of GATAD1: This variant is not expected to have clinical si gnificance because it does not alter an amino acid residue and is not located wi thin the splice consensus sequence. It has been identified in 1/330 East Asian c hromosomes by the Exome Aggregation Consortium (ExAC .org; dbSNP rs376686657).

GeneDx
Classification: Benign. Last evaluated: 2014-01-28. Review status: criteria provided, single submitter. Criteria: GeneDx Variant Classification (06012015). Collection method: clinical testing. Allele origin: germline. Affected: yes.
Comment: This variant is considered likely benign or benign based on one or more of the following criteria: it is a conservative change, it occurs at a poorly conserved position in the protein, it is predicted to be benign by multiple in silico algorithms, and/or has population frequency not consistent with disease.

Clinical Genetics DNA and cytogenetics Diagnostics Lab, Erasmus MC, Erasmus Medical Center
Classification: Likely benign. Review status: no assertion criteria provided. Collection method: clinical testing. Allele origin: germline. Affected: yes. Study: VKGL Data-share Consensus. Not counted in ClinVar's aggregate classification.

Genome Diagnostics Laboratory, University Medical Center Utrecht
Classification: Likely benign. Review status: no assertion criteria provided. Collection method: clinical testing. Allele origin: germline. Affected: yes. Study: VKGL Data-share Consensus. Not counted in ClinVar's aggregate classification.